The following is an entry in ClinVar:

NM_020708.5(SLC12A5):c.694G>A (p.Val232Ile)

Gene: SLC12A5 (solute carrier family 12 member 5; plus strand). Cytogenetic location: 20q13.12.
Variant type: single nucleotide variant.
Coding change: c.694G>A on transcript NM_020708.5 (MANE Select); coding-DNA position 694, G replaced by A.
Protein change: p.Val232Ile; replaces valine 232 with isoleucine.
Molecular consequence: missense variant.
Genome position (GRCh38, 1-based): chr20:46,040,454, G>A. VCF-style: chr20-46040454-G-A. GRCh37 (hg19) VCF-style: chr20-44669093-G-A.
Other names: c.763G>A, p.Val255Ile (NM_001134771.2); short protein forms V232I, V255I.
Identifiers: ClinVar variation 475659 (VCV000475659.9), dbSNP rs1555863136, ClinGen allele CA409189780.

ClinVar aggregate classification (germline): Uncertain significance (1 of 4 stars; one submission).

Conditions:
Developmental and epileptic encephalopathy, 34 (DEE34). Also called: Early infantile epileptic encephalopathy 34; SLC12A5-Related Epilepsy of Infancy with Migrating Focal Seizures. Identifiers: Orphanet 293181, MedGen C4225257, MONDO:0014718, OMIM 616645.

Submission:

Labcorp Genetics (formerly Invitae), Labcorp
Classification: Uncertain significance for Developmental and epileptic encephalopathy, 34. Last evaluated: 2017-05-15. Review status: criteria provided, single submitter. Criteria: Invitae Variant Classification Sherloc (09022015). Collection method: clinical testing. Allele origin: germline.
Comment: In summary, this variant is a novel missense change that is not predicted to affect protein function. There is no indication that it causes disease, but the available evidence is currently insufficient to prove that conclusively. Therefore, it has been classified as a Variant of Uncertain Significance. Algorithms developed to predict the effect of missense changes on protein structure and function (SIFT, PolyPhen-2, Align-GVGD) all suggest that this variant is likely to be tolerated, but these predictions have not been confirmed by published functional studies. This variant is not present in population databases (ExAC no frequency) and has not been reported in the literature in individuals with a SLC12A5-related disease. This sequence change replaces valine with isoleucine at codon 232 of the SLC12A5 protein (p.Val232Ile). The valine residue is moderately conserved and there is a small physicochemical difference between valine and isoleucine.